The following is an entry in ClinVar:

ClinVar aggregate classification (germline): Uncertain significance (1 of 4 stars; one submission).

Conditions:
Cardiovascular phenotype. Identifiers: MedGen CN230736.

Allele frequency attached by ClinVar (database versions not stated): gnomAD 0.00001.
gnomAD v4.1: 2 of 1,614,068 alleles (0.00012%); highest among the groups gnomAD compares: African/African-American, 0.0027%; no homozygotes.

Submission:

Ambry Genetics
Classification: Uncertain significance for Cardiovascular phenotype. Last evaluated: 2023-03-24. Review status: criteria provided, single submitter. Criteria: Ambry Variant Classification Scheme 2023. Collection method: clinical testing. Allele origin: germline.
Comment: The p.D33E variant (also known as c.99C>A), located in coding exon 2 of the ABCG8 gene, results from a C to A substitution at nucleotide position 99. The aspartic acid at codon 33 is replaced by glutamic acid, an amino acid with highly similar properties. This amino acid position is conserved. In addition, the in silico prediction for this alteration is inconclusive. Since supporting evidence is limited at this time, the clinical significance of this alteration remains unclear.

NM_022437.3(ABCG8):c.99C>A (p.Asp33Glu)

Gene: ABCG8 (ATP binding cassette subfamily G member 8; plus strand). Cytogenetic location: 2p21.
Variant type: single nucleotide variant.
Coding change: c.99C>A on transcript NM_022437.3 (MANE Select); coding-DNA position 99, C replaced by A.
Protein change: p.Asp33Glu; replaces aspartic acid 33 with glutamic acid.
Molecular consequence: missense variant.
Genome position (GRCh38, 1-based): chr2:43,844,542, C>A. VCF-style: chr2-43844542-C-A. GRCh37 (hg19) VCF-style: chr2-44071681-C-A.
Other names: c.99C>A, p.Asp33Glu (NM_001357321.2); short protein forms D33E.
Identifiers: ClinVar variation 2565404 (VCV002565404.2), dbSNP rs746154054, ClinGen allele CA346663133.